The following is an entry in ClinVar:

ClinVar aggregate classification (germline): Likely pathogenic (1 of 4 stars; one submission).

Conditions:
Primary ciliary dyskinesia. Also called: Ciliary dyskinesia. Identifiers: Orphanet 244, MedGen C0008780, MONDO:0016575, HP:0012265.

Submission:

Labcorp Genetics (formerly Invitae), Labcorp
Classification: Likely pathogenic for Primary ciliary dyskinesia. Last evaluated: 2023-06-22. Review status: criteria provided, single submitter. Criteria: Invitae Variant Classification Sherloc (09022015). Collection method: clinical testing. Allele origin: germline.
Comment: Algorithms developed to predict the effect of sequence changes on RNA splicing suggest that this variant may disrupt the consensus splice site. This variant has not been reported in the literature in individuals affected with DNAH11-related conditions. This variant is not present in population databases (gnomAD no frequency). This sequence change affects a donor splice site in intron 5 of the DNAH11 gene. It is expected to disrupt RNA splicing. Variants that disrupt the donor or acceptor splice site typically lead to a loss of protein function (PMID: 16199547), and loss-of-function variants in DNAH11 are known to be pathogenic (PMID: 18022865, 20513915, 22184204). In summary, the currently available evidence indicates that the variant is pathogenic, but additional data are needed to prove that conclusively. Therefore, this variant has been classified as Likely Pathogenic.

Literature cited by the submitters: PubMed 16199547; PubMed 18022865; PubMed 20513915; PubMed 22184204.

NM_001277115.2(DNAH11):c.982+1G>C

Gene: DNAH11 (dynein axonemal heavy chain 11; plus strand). Cytogenetic location: 7p15.3.
Variant type: single nucleotide variant.
Coding change: c.982+1G>C on transcript NM_001277115.2 (MANE Select); the canonical splice donor site of the intron after coding-DNA position 982, G replaced by C.
Molecular consequence: splice donor variant.
Genome position (GRCh38, 1-based): chr7:21,561,171, G>C. VCF-style: chr7-21561171-G-C. GRCh37 (hg19) VCF-style: chr7-21600789-G-C.
Identifiers: ClinVar variation 2864600 (VCV002864600.3), dbSNP rs2534483587, ClinGen allele CA366932297.